The following is an entry in ClinVar:

NM_138691.3(TMC1):c.505C>G (p.Pro169Ala)

Gene: TMC1 (transmembrane channel like 1; plus strand). Cytogenetic location: 9q21.13.
Variant type: single nucleotide variant.
Coding change: c.505C>G on transcript NM_138691.3 (MANE Select); coding-DNA position 505, C replaced by G.
Protein change: p.Pro169Ala; replaces proline 169 with alanine.
Molecular consequence: missense variant.
Genome position (GRCh38, 1-based): chr9:72,742,495, C>G. VCF-style: chr9-72742495-C-G. GRCh37 (hg19) VCF-style: chr9-75357411-C-G.
Other names: short protein forms P169A.
Identifiers: ClinVar variation 1333338 (VCV001333338.1), dbSNP rs1827407033, ClinGen allele CA373495431.

ClinVar aggregate classification (germline): Uncertain significance (1 of 4 stars; one submission).

Conditions:
Autosomal recessive nonsyndromic hearing loss 7. Also called: DEAFNESS, AUTOSOMAL RECESSIVE 11. Identifiers: Orphanet 90636, MedGen C1832978, MONDO:0010967, OMIM 600974.

Submission:

3billion
Classification: Uncertain significance for Autosomal recessive nonsyndromic hearing loss 7. Last evaluated: 2022-01-03. Review status: criteria provided, single submitter. Criteria: ACMG Guidelines, 2015. Collection method: clinical testing. Allele origin: germline. Affected: yes. Observed: 1 heterozygote.
Comment: The variant not observed in the gnomAD v2.1.1 dataset (PM2_M). Therefore, this variant is classified as uncertain significance according to the recommendation of ACMG/AMP guideline.